The following is an entry in ClinVar:

NM_005228.5(EGFR):c.3225C>T (p.Gly1075=)

Gene: EGFR (epidermal growth factor receptor; plus strand). Cytogenetic location: 7p11.2.
Variant type: single nucleotide variant.
Coding change: c.3225C>T on transcript NM_005228.5 (MANE Select); coding-DNA position 3225, C replaced by T.
Protein change: p.Gly1075=; no amino-acid change (glycine 1075 retained).
Molecular consequence: synonymous variant.
Genome position (GRCh38, 1-based): chr7:55,202,579, C>T. VCF-style: chr7-55202579-C-T. GRCh37 (hg19) VCF-style: chr7-55270272-C-T.
Other names: c.3225C>T (NM_005228.4); c.3090C>T, p.Gly1030= (NM_001346897.2, NM_001346899.2); c.3225C>T, p.Gly1075= (NM_001346898.2); c.3066C>T, p.Gly1022= (NM_001346900.2); c.2424C>T, p.Gly808= (NM_001346941.2).
Identifiers: ClinVar variation 695645 (VCV000695645.40), dbSNP rs140117937, ClinGen allele CA4266325.

ClinVar aggregate classification (germline): Likely benign. Review status: criteria provided, multiple submitters, no conflicts (2 of 4 stars). 5 submissions from 5 submitters: Likely benign (4). 1 of the submissions does not count toward it. Last evaluated 2026-02-03.

Conditions:
EGFR-related lung cancer (EGFR). Identifiers: MedGen CN130014.
EGFR-related disorder. Also called: EGFR-related condition.
Hereditary cancer-predisposing syndrome. Also called: Neoplastic Syndromes, Hereditary; Tumor predisposition; Hereditary neoplastic syndrome; Hereditary Cancer Syndrome. Identifiers: Orphanet 140162, MedGen C0027672, MeSH D009386, MONDO:0015356.

Allele frequency attached by ClinVar (database versions not stated): ExAC 0.00028; gnomAD 0.00032; TOPMed 0.00037; ESP Exome Variant Server 0.00054.
gnomAD v4.1: 697 of 1,613,530 alleles (0.043%); highest among the groups gnomAD compares: Non-Finnish European, 0.054%; 4 homozygotes.

Submissions (6):

Labcorp Genetics (formerly Invitae), Labcorp
Classification: Likely benign for EGFR-related lung cancer. Last evaluated: 2026-02-03. Review status: criteria provided, single submitter. Criteria: Invitae Variant Classification Sherloc (09022015). Collection method: clinical testing. Allele origin: germline.

CeGaT Center for Human Genetics Tuebingen
Classification: Likely benign. Last evaluated: 2024-12-01. Review status: criteria provided, single submitter. Criteria: CeGaT Center For Human Genetics Tuebingen Variant Classification Criteria Version 2. Collection method: clinical testing. Allele origin: germline. Affected: yes. Observed: 3 variant alleles.
Comment: EGFR: BP4, BP7

Ambry Genetics
Classification: Likely benign for Hereditary cancer-predisposing syndrome. Last evaluated: 2024-08-21. Review status: criteria provided, single submitter. Criteria: Ambry Variant Classification Scheme 2023. Collection method: clinical testing. Allele origin: germline.

Sema4
Classification: Likely benign for Hereditary cancer-predisposing syndrome. Last evaluated: 2020-12-23. Review status: criteria provided, single submitter. Criteria: Sema4 Curation Guidelines. Collection method: curation. Allele origin: germline.

PreventionGenetics, part of Exact Sciences
Classification: Likely benign for EGFR-related condition. Last evaluated: 2023-05-30. Review status: no assertion criteria provided. Collection method: clinical testing. Allele origin: germline. Not counted in ClinVar's aggregate classification.
Comment: This variant is classified as likely benign based on ACMG/AMP sequence variant interpretation guidelines (Richards et al. 2015 PMID: 25741868, with internal and published modifications).

Dr. Peter K. Rogan Lab, Western University
No classification provided (evidence only). Condition: Clear cell carcinoma of kidney. Review status: no classification provided. Collection method: in vitro. Allele origin: not applicable. Functional consequence: retained intron. Not counted in ClinVar's aggregate classification.